The following is an entry in ClinVar:

NM_004259.7(RECQL5):c.1229+537G>T

Gene: RECQL5 (RecQ like helicase 5; minus strand). Cytogenetic location: 17q25.1.
Variant type: single nucleotide variant.
Coding change: c.1229+537G>T on transcript NM_004259.7 (MANE Select); 537 bases into the intron after coding-DNA position 1229, G replaced by T.
Molecular consequence: intron variant. On other transcripts: synonymous variant (1), 3 prime UTR variant (1).
Genome position (GRCh38, 1-based): chr17:75,650,649, C>A on the plus strand (G>T on the coding strand, the complement: RECQL5 is on the minus strand). VCF-style: chr17-75650649-C-A. GRCh37 (hg19) VCF-style: chr17-73646729-C-A.
Other names: c.1299G>T, p.Ala433= (NM_001003715.4); c.*533G>T (NM_001003716.4).
Identifiers: ClinVar variation 3029743 (VCV003029743.2), dbSNP rs201473413, ClinGen allele CA2740093920.
Genomic context (GRCh38, chr17:75,650,649, plus strand): 5'-TTTTTAGACCAAAATGTAAAAACTCCTCCTGGGTGTCTCTCCTGCAGGCACTCACAGCTC[C>A]GCATGCCTGGACACAACCTGACTACACCAAGCAGCCCTCAGACTCTTTCCGTGGCCCCTG-3'

ClinVar aggregate classification (germline): Likely benign (0 of 4 stars; one submission).

Conditions:
RECQL5-related disorder. Also called: RECQL5-related condition.

Submission:

PreventionGenetics, part of Exact Sciences
Classification: Likely benign for RECQL5-related condition. Last evaluated: 2022-02-10. Review status: no assertion criteria provided. Collection method: clinical testing. Allele origin: germline.
Comment: This variant is classified as likely benign based on ACMG/AMP sequence variant interpretation guidelines (Richards et al. 2015 PMID: 25741868, with internal and published modifications).